The following is an entry in ClinVar:

NM_001394062.1(MACF1):c.2256G>A (p.Val752=)

Gene: MACF1 (microtubule actin crosslinking factor 1; plus strand). Cytogenetic location: 1p34.3.
Variant type: single nucleotide variant.
Coding change: c.2256G>A on transcript NM_001394062.1 (MANE Select); coding-DNA position 2256, G replaced by A.
Protein change: p.Val752=; no amino-acid change (valine 752 retained).
Molecular consequence: synonymous variant.
Genome position (GRCh38, 1-based): chr1:39,295,147, G>A. VCF-style: chr1-39295147-G-A. GRCh37 (hg19) VCF-style: chr1-39760819-G-A.
Other names: c.2271G>A, p.Val757= (NM_012090.5).
Identifiers: ClinVar variation 3032148 (VCV003032148.2), dbSNP rs763306320, ClinGen allele CA779653.

ClinVar aggregate classification (germline): Likely benign (0 of 4 stars; one submission).

Conditions:
MACF1-related disorder. Also called: MACF1-related condition.

Allele frequency attached by ClinVar (database versions not stated): ExAC 0.00002; gnomAD 0.00013; TOPMed 0.00013.
gnomAD v4.1: 39 of 1,613,016 alleles (0.0024%); highest among the groups gnomAD compares: African/African-American, 0.037%; no homozygotes.

Submission:

PreventionGenetics, part of Exact Sciences
Classification: Likely benign for MACF1-related condition. Last evaluated: 2021-05-03. Review status: no assertion criteria provided. Collection method: clinical testing. Allele origin: germline.
Comment: This variant is classified as likely benign based on ACMG/AMP sequence variant interpretation guidelines (Richards et al. 2015 PMID: 25741868, with internal and published modifications).